The following is an entry in ClinVar:

ClinVar aggregate classification (germline): Conflicting classifications of pathogenicity. Review status: criteria provided, conflicting classifications (1 of 4 stars). 2 submissions from 2 submitters: Uncertain significance (1); Likely benign (1). Last evaluated 2022-07-19.

Conditions:
Early-infantile DEE. Also called: Early infantile epileptic encephalopathy with suppression bursts; Ohtahara syndrome; Early infantile epileptic encephalopathy. Identifiers: Orphanet 1934, MedGen C0393706, MONDO:0800491.

Allele frequency attached by ClinVar (database versions not stated): gnomAD 0.00001; gnomAD exomes 0.00001 and 0.00002; TOPMed 0.00001.

Submissions (2):

Labcorp Genetics (formerly Invitae), Labcorp
Classification: Uncertain significance for Early-infantile DEE. Last evaluated: 2022-07-19. Review status: criteria provided, single submitter. Criteria: Invitae Variant Classification Sherloc (09022015). Collection method: clinical testing. Allele origin: germline.
Comment: In summary, the available evidence is currently insufficient to determine the role of this variant in disease. Therefore, it has been classified as a Variant of Uncertain Significance. Algorithms developed to predict the effect of missense changes on protein structure and function (SIFT, PolyPhen-2, Align-GVGD) all suggest that this variant is likely to be disruptive. ClinVar contains an entry for this variant (Variation ID: 1062201). This variant has not been reported in the literature in individuals affected with SPTAN1-related conditions. This variant is present in population databases (no rsID available, gnomAD 0.002%). This sequence change replaces isoleucine, which is neutral and non-polar, with threonine, which is neutral and polar, at codon 2038 of the SPTAN1 protein (p.Ile2038Thr).

Blueprint Genetics
Classification: Likely benign. Last evaluated: 2021-09-10. Review status: criteria provided, single submitter. Criteria: ACMG Guidelines, 2015. Collection method: clinical testing. Allele origin: germline.

NM_001130438.3(SPTAN1):c.6113T>C (p.Ile2038Thr)

Gene: SPTAN1 (spectrin alpha, non-erythrocytic 1; plus strand). Cytogenetic location: 9q34.11.
Variant type: single nucleotide variant.
Coding change: c.6113T>C on transcript NM_001130438.3 (MANE Select); coding-DNA position 6113, T replaced by C.
Protein change: p.Ile2038Thr; replaces isoleucine 2038 with threonine.
Molecular consequence: missense variant.
Genome position (GRCh38, 1-based): chr9:128,625,812, T>C. VCF-style: chr9-128625812-T-C. GRCh37 (hg19) VCF-style: chr9-131388091-T-C.
Other names: c.6038T>C, p.Ile2013Thr (NM_001195532.2); c.6113T>C, p.Ile2038Thr (NM_001363759.2, NM_001375310.1, NM_001375311.2 and 1 more transcripts); c.6053T>C, p.Ile2018Thr (NM_001363765.2, NM_001375314.2); c.6149T>C, p.Ile2050Thr (NM_001375312.2, NM_001375318.1); c.6098T>C, p.Ile2033Thr (NM_003127.4); short protein forms I2013T, I2018T, I2033T, I2038T, I2050T.
Identifiers: ClinVar variation 1062201 (VCV001062201.11), dbSNP rs1227328885, ClinGen allele CA375086127.
Genomic context (GRCh38, chr9:128,625,812, plus strand): 5'-TGTCACTCCTTGTTCAGGAAACTTTTGACGCTGGGCTGCAGGCCTTCCAGCAGGAAGGCA[T>C]TGCCAACATCACTGCCCTCAAAGATCAGCTTCTCGCCGCCAAACACGTTCAGTCCAAGGC-3'
Protein context (NP_001123910.1, residues 2028-2048): AGLQAFQQEG[Ile2038Thr]ANITALKDQL